The following is an entry in ClinVar:

NM_001099274.3(TINF2):c.20C>T (p.Ala7Val)

Gene: TINF2 (TERF1 interacting nuclear factor 2; minus strand). Cytogenetic location: 14q12.
Variant type: single nucleotide variant.
Coding change: c.20C>T on transcript NM_001099274.3 (MANE Select); coding-DNA position 20, C replaced by T.
Protein change: p.Ala7Val; replaces alanine 7 with valine.
Molecular consequence: missense variant.
Genome position (GRCh38, 1-based): chr14:24,242,313, G>A on the plus strand (C>T on the coding strand, the complement: TINF2 is on the minus strand). VCF-style: chr14-24242313-G-A. GRCh37 (hg19) VCF-style: chr14-24711519-G-A.
Other names: c.20C>T, p.Ala7Val (NM_001363668.2, NM_012461.3); short protein forms A7V.
Identifiers: ClinVar variation 1447392 (VCV001447392.8), dbSNP rs2040599044, ClinGen allele CA389236934.

ClinVar aggregate classification (germline): Uncertain significance (1 of 4 stars; one submission).

Conditions:
Dyskeratosis congenita. Identifiers: Orphanet 1775, MedGen C0265965, MONDO:0015780.

Allele frequency attached by ClinVar (database versions not stated): gnomAD exomes below 0.00001.
gnomAD v4.1: 2 of 1,612,794 alleles (0.00012%); highest among the groups gnomAD compares: Non-Finnish European, 0.00017%; no homozygotes.

Submission:

Labcorp Genetics (formerly Invitae), Labcorp
Classification: Uncertain significance for Dyskeratosis congenita. Last evaluated: 2024-01-02. Review status: criteria provided, single submitter. Criteria: Invitae Variant Classification Sherloc (09022015). Collection method: clinical testing. Allele origin: germline.
Comment: This sequence change replaces alanine, which is neutral and non-polar, with valine, which is neutral and non-polar, at codon 7 of the TINF2 protein (p.Ala7Val). This variant is not present in population databases (gnomAD no frequency). This variant has not been reported in the literature in individuals affected with TINF2-related conditions. ClinVar contains an entry for this variant (Variation ID: 1447392). Algorithms developed to predict the effect of missense changes on protein structure and function output the following: SIFT: "Not Available"; PolyPhen-2: "Benign"; Align-GVGD: "Not Available". The valine amino acid residue is found in multiple mammalian species, which suggests that this missense change does not adversely affect protein function. In summary, the available evidence is currently insufficient to determine the role of this variant in disease. Therefore, it has been classified as a Variant of Uncertain Significance.